The following is an entry in ClinVar:

ClinVar aggregate classification (germline): Uncertain significance (1 of 4 stars; one submission).

Submission:

GeneDx
Classification: Uncertain significance. Last evaluated: 2024-07-19. Review status: criteria provided, single submitter. Criteria: GeneDx Variant Classification Process June 2021. Collection method: clinical testing. Allele origin: germline. Affected: yes.
Comment: Not observed at significant frequency in large population cohorts (gnomAD); In silico analysis indicates that this missense variant does not alter protein structure/function; Has not been previously published as pathogenic or benign to our knowledge

NM_024496.4(IRF2BPL):c.449G>T (p.Gly150Val)

Gene: IRF2BPL (interferon regulatory factor 2 binding protein like; minus strand). Cytogenetic location: 14q24.3.
Variant type: single nucleotide variant.
Coding change: c.449G>T on transcript NM_024496.4 (MANE Select); coding-DNA position 449, G replaced by T.
Protein change: p.Gly150Val; replaces glycine 150 with valine.
Molecular consequence: missense variant.
Genome position (GRCh38, 1-based): chr14:77,027,344, C>A on the plus strand (G>T on the coding strand, the complement: IRF2BPL is on the minus strand). VCF-style: chr14-77027344-C-A. GRCh37 (hg19) VCF-style: chr14-77493687-C-A.
Other names: short protein forms G150V.
Identifiers: ClinVar variation 3600638 (VCV003600638.1).